The following is an entry in ClinVar:

ClinVar aggregate classification (germline): Uncertain significance (1 of 4 stars; one submission).

Conditions:
Renal cell carcinoma. Identifiers: Orphanet 217071, MedGen C0007134, MeSH D002292, MONDO:0005086, HP:0005584.

Submission:

Labcorp Genetics (formerly Invitae), Labcorp
Classification: Uncertain significance for Renal cell carcinoma. Last evaluated: 2023-07-07. Review status: criteria provided, single submitter. Criteria: Invitae Variant Classification Sherloc (09022015). Collection method: clinical testing. Allele origin: germline.
Comment: This sequence change replaces arginine, which is basic and polar, with glycine, which is neutral and non-polar, at codon 21 of the MET protein (p.Arg21Gly). This variant is not present in population databases (gnomAD no frequency). This variant has not been reported in the literature in individuals affected with MET-related conditions. Advanced modeling of protein sequence and biophysical properties (such as structural, functional, and spatial information, amino acid conservation, physicochemical variation, residue mobility, and thermodynamic stability) performed at Invitae indicates that this missense variant is not expected to disrupt MET protein function. In summary, the available evidence is currently insufficient to determine the role of this variant in disease. Therefore, it has been classified as a Variant of Uncertain Significance.

NM_000245.4(MET):c.61A>G (p.Arg21Gly)

Gene: MET (MET proto-oncogene, receptor tyrosine kinase; plus strand). Cytogenetic location: 7q31.2.
Variant type: single nucleotide variant.
Coding change: c.61A>G on transcript NM_000245.4 (MANE Select); coding-DNA position 61, A replaced by G.
Protein change: p.Arg21Gly; replaces arginine 21 with glycine.
Molecular consequence: missense variant. On other transcripts: intron variant (1).
Genome position (GRCh38, 1-based): chr7:116,699,145, A>G. VCF-style: chr7-116699145-A-G. GRCh37 (hg19) VCF-style: chr7-116339199-A-G.
Other names: c.61A>G, p.Arg21Gly (NM_001324401.3, NM_001127500.3); c.-91+26568A>G (NM_001324402.2); short protein forms R21G.
Identifiers: ClinVar variation 2736820 (VCV002736820.3), dbSNP rs2116579265, ClinGen allele CA368968254.